The following is an entry in ClinVar:

NM_002528.7(NTHL1):c.25C>A (p.Leu9Met)

Gene: NTHL1 (nth like DNA glycosylase 1; minus strand). Cytogenetic location: 16p13.3.
Variant type: single nucleotide variant.
Coding change: c.25C>A on transcript NM_002528.7 (MANE Select); coding-DNA position 25, C replaced by A.
Protein change: p.Leu9Met; replaces leucine 9 with methionine.
Molecular consequence: missense variant. On other transcripts: 5 prime UTR variant (1).
Genome position (GRCh38, 1-based): chr16:2,047,799, G>T on the plus strand (C>A on the coding strand, the complement: NTHL1 is on the minus strand). VCF-style: chr16-2047799-G-T. GRCh37 (hg19) VCF-style: chr16-2097800-G-T.
Other names: c.25C>A, p.Leu9Met (NM_001318193.2); c.-154C>A (NM_001318194.2); short protein forms L9M.
Identifiers: ClinVar variation 1381603 (VCV001381603.6), dbSNP rs1596228271, ClinGen allele CA394298592.

ClinVar aggregate classification (germline): Uncertain significance (1 of 4 stars; one submission).

Allele frequency attached by ClinVar (database versions not stated): gnomAD exomes below 0.00001.
gnomAD v4.1: 1 of 1,591,730 alleles (0.000063%); highest among the groups gnomAD compares: Non-Finnish European, 0.000085%; no homozygotes.

Submission:

Labcorp Genetics (formerly Invitae), Labcorp
Classification: Uncertain significance. Last evaluated: 2021-09-16. Review status: criteria provided, single submitter. Criteria: Invitae Variant Classification Sherloc (09022015). Collection method: clinical testing. Allele origin: germline.
Comment: In summary, the available evidence is currently insufficient to determine the role of this variant in disease. Therefore, it has been classified as a Variant of Uncertain Significance. Algorithms developed to predict the effect of missense changes on protein structure and function are either unavailable or do not agree on the potential impact of this missense change (SIFT: "Not Available"; PolyPhen-2: "Benign"; Align-GVGD: "Not Available"). This variant has not been reported in the literature in individuals affected with NTHL1-related conditions. This variant is not present in population databases (ExAC no frequency). This sequence change replaces leucine with methionine at codon 17 of the NTHL1 protein (p.Leu17Met). The leucine residue is weakly conserved and there is a small physicochemical difference between leucine and methionine.